The following is an entry in ClinVar:

ClinVar aggregate classification (germline): Pathogenic (1 of 4 stars; one submission).

Conditions:
Hypotonia, infantile, with psychomotor retardation and characteristic facies 1 (INNFD). Identifiers: Orphanet 371364, Orphanet 700336, MedGen C3809454, MONDO:0024567, OMIM 615419.

Submission:

3billion
Classification: Pathogenic for Hypotonia, infantile, with psychomotor retardation and characteristic facies 1. Last evaluated: 2024-06-27. Review status: criteria provided, single submitter. Criteria: ACMG Guidelines, 2015. Collection method: clinical testing. Allele origin: germline. Affected: yes.
Comment: The variant is not observed in the gnomAD v4.0.0 dataset. Predicted Consequence/Location: Stop-gained (nonsense): predicted to result in a loss or disruption of normal protein function through nonsense-mediated decay (NMD) or protein truncation. Multiple pathogenic variants are reported downstream of the variant. The variant has been reported to be associated with NALCN-related disorder (3billion dataset). Therefore, this variant is classified as Pathogenic according to the recommendation of ACMG/AMP guideline.

NM_052867.4(NALCN):c.320G>A (p.Trp107Ter)

Gene: NALCN (sodium leak channel, non-selective; minus strand). Cytogenetic location: 13q33.1.
Variant type: single nucleotide variant.
Coding change: c.320G>A on transcript NM_052867.4 (MANE Select); coding-DNA position 320, G replaced by A.
Protein change: p.Trp107Ter; replaces tryptophan 107 with a stop codon.
Molecular consequence: nonsense.
Genome position (GRCh38, 1-based): chr13:101,378,625, C>T on the plus strand (G>A on the coding strand, the complement: NALCN is on the minus strand). VCF-style: chr13-101378625-C-T. GRCh37 (hg19) VCF-style: chr13-102030976-C-T.
Other names: c.320G>A, p.Trp107Ter (NM_001350748.2, NM_001350749.2, NM_001350750.2 and 1 more transcripts); short protein forms W107*.
Identifiers: ClinVar variation 3775336 (VCV003775336.2).